The following is an entry in ClinVar:

NM_000138.5(FBN1):c.4320C>T (p.Asp1440=)

Genes: FBN1 (fibrillin 1; minus strand), LOC126862124 (CDK7 strongly-dependent group 2 enhancer GRCh37_chr15:48764566-48765765; plus strand). Cytogenetic location: 15q21.1.
Variant type: single nucleotide variant.
Coding change: c.4320C>T on transcript NM_000138.5 (MANE Select); coding-DNA position 4320, C replaced by T.
Protein change: p.Asp1440=; no amino-acid change (aspartic acid 1440 retained).
Molecular consequence: synonymous variant.
Genome position (GRCh38, 1-based): chr15:48,472,567, G>A on the plus strand (C>T on the coding strand, the complement: FBN1 is on the minus strand). VCF-style: chr15-48472567-G-A. GRCh37 (hg19) VCF-style: chr15-48764764-G-A.
Identifiers: ClinVar variation 547320 (VCV000547320.53), dbSNP rs375157552, ClinGen allele CA052479.

ClinVar aggregate classification (germline): Likely benign. Review status: criteria provided, multiple submitters, no conflicts (2 of 4 stars). 8 submissions from 8 submitters: Likely benign (8). Last evaluated 2025-07-21.

Conditions:
Familial thoracic aortic aneurysm and aortic dissection (TAAD). Also called: Thoracic aortic aneurysms and dissections. Identifiers: Orphanet 91387, MedGen C4707243, MONDO:0019625.
Marfan syndrome (MFS). Also called: MARFAN SYNDROME, TYPE I; Marfan syndrome type 1; Marfan's syndrome; Marfan syndrome, classic; FBN1-Related Marfan Syndrome. Identifiers: Orphanet 284963, Orphanet 558, MedGen C0024796, MONDO:0007947, OMIM 154700.

Allele frequency attached by ClinVar (database versions not stated): ExAC 0.00001; gnomAD 0.00001 and 0.00002; gnomAD exomes 0.00001; TOPMed 0.00002; ESP Exome Variant Server 0.00008.
gnomAD v4.1: 13 of 1,613,144 alleles (0.00081%); highest among the groups gnomAD compares: African/African-American, 0.0054%; no homozygotes.

Submissions (8):

Labcorp Genetics (formerly Invitae), Labcorp
Classification: Likely benign for Marfan syndrome; Familial thoracic aortic aneurysm and aortic dissection. Last evaluated: 2025-07-21. Review status: criteria provided, single submitter. Criteria: Invitae Variant Classification Sherloc (09022015). Collection method: clinical testing. Allele origin: germline.

All of Us Research Program, National Institutes of Health
Classification: Likely benign for Marfan syndrome. Last evaluated: 2024-07-10. Review status: criteria provided, single submitter. Criteria: ACMG Guidelines, 2015. Collection method: clinical testing. Allele origin: germline. Inheritance: Autosomal dominant inheritance. Observed: 1 variant allele, 1 heterozygote.
Comment: This study involves interpretation of variants in research participants for the purpose of population health screening. Participant phenotype was not available at the time of variant classification. Additional details can be found in publication PMID: 35346344, PMCID: PMC8962531

Color Diagnostics, LLC DBA Color Health
Classification: Likely benign for Familial thoracic aortic aneurysm and aortic dissection. Last evaluated: 2024-06-25. Review status: criteria provided, single submitter. Criteria: ACMG Guidelines, 2015. Collection method: clinical testing. Allele origin: germline.

Blueprint Genetics
Classification: Likely benign. Last evaluated: 2021-09-16. Review status: criteria provided, single submitter. Criteria: ACMG Guidelines, 2015. Collection method: clinical testing. Allele origin: germline.

CeGaT Center for Human Genetics Tuebingen
Classification: Likely benign. Last evaluated: 2020-03-01. Review status: criteria provided, single submitter. Criteria: CeGaT Center For Human Genetics Tuebingen Variant Classification Criteria Version 2. Collection method: clinical testing. Allele origin: germline. Affected: yes. Observed: 1 variant allele.

CHEO Genetics Diagnostic Laboratory, Children's Hospital of Eastern Ontario
Classification: Likely benign for Familial thoracic aortic aneurysm and aortic dissection. Last evaluated: 2017-11-01. Review status: criteria provided, single submitter. Criteria: ACMG Guidelines, 2015. Collection method: clinical testing. Allele origin: germline.

Center for Human Genetics, Inc
Classification: Likely benign for Marfan syndrome. Last evaluated: 2016-11-01. Review status: criteria provided, single submitter. Criteria: ACMG Guidelines, 2015. Collection method: clinical testing. Allele origin: germline. Affected: yes.

Breakthrough Genomics
Classification: Likely benign. Review status: criteria provided, single submitter. Criteria: ACMG Guidelines, 2015. Collection method: not provided. Allele origin: germline. Inheritance: Autosomal dominant inheritance. Affected: yes.